The following is an entry in ClinVar:

ClinVar aggregate classification (germline): Conflicting classifications of pathogenicity. Review status: criteria provided, conflicting classifications (1 of 4 stars). 2 submissions from 2 submitters: Uncertain significance (1); Likely benign (1). Last evaluated 2024-01-31.

Allele frequency attached by ClinVar (database versions not stated): TOPMed below 0.00001; ExAC 0.00001; gnomAD 0.00001; gnomAD exomes 0.00001.
gnomAD v4.1: 8 of 1,611,708 alleles (0.0005%); highest among the groups gnomAD compares: Admixed American, 0.0017%; no homozygotes.

Submissions (2):

Labcorp Genetics (formerly Invitae), Labcorp
Classification: Uncertain significance. Last evaluated: 2024-01-31. Review status: criteria provided, single submitter. Criteria: Invitae Variant Classification Sherloc (09022015). Collection method: clinical testing. Allele origin: germline.
Comment: This sequence change replaces serine, which is neutral and polar, with proline, which is neutral and non-polar, at codon 777 of the NLRP1 protein (p.Ser777Pro). This variant is present in population databases (rs747106702, gnomAD 0.003%). This variant has not been reported in the literature in individuals affected with NLRP1-related conditions. Algorithms developed to predict the effect of missense changes on protein structure and function output the following: SIFT: "Not Available"; PolyPhen-2: "Benign"; Align-GVGD: "Not Available". The proline amino acid residue is found in multiple mammalian species, which suggests that this missense change does not adversely affect protein function. In summary, the available evidence is currently insufficient to determine the role of this variant in disease. Therefore, it has been classified as a Variant of Uncertain Significance.

Blueprint Genetics
Classification: Likely benign. Last evaluated: 2019-09-25. Review status: criteria provided, single submitter. Criteria: ACMG Guidelines, 2015. Collection method: clinical testing. Allele origin: germline.

NM_033004.4(NLRP1):c.2329T>C (p.Ser777Pro)

Gene: NLRP1 (NLR family pyrin domain containing 1; minus strand). Cytogenetic location: 17p13.2.
Variant type: single nucleotide variant.
Coding change: c.2329T>C on transcript NM_033004.4 (MANE Select); coding-DNA position 2329, T replaced by C.
Protein change: p.Ser777Pro; replaces serine 777 with proline.
Molecular consequence: missense variant.
Genome position (GRCh38, 1-based): chr17:5,558,367, A>G on the plus strand (T>C on the coding strand, the complement: NLRP1 is on the minus strand). VCF-style: chr17-5558367-A-G. GRCh37 (hg19) VCF-style: chr17-5461687-A-G.
Other names: c.2329T>C, p.Ser777Pro (NM_001033053.3, NM_014922.5, NM_033006.4 and 1 more transcripts); short protein forms S777P.
Identifiers: ClinVar variation 2796593 (VCV002796593.4), dbSNP rs747106702, ClinGen allele CA8327210.